The following is an entry in ClinVar:

NM_080680.3(COL11A2):c.625G>A (p.Ala209Thr)

Gene: COL11A2 (collagen type XI alpha 2 chain; minus strand). Cytogenetic location: 6p21.32.
Variant type: single nucleotide variant.
Coding change: c.625G>A on transcript NM_080680.3 (MANE Select); coding-DNA position 625, G replaced by A.
Protein change: p.Ala209Thr; replaces alanine 209 with threonine.
Molecular consequence: missense variant. On other transcripts: 5 prime UTR variant (3), non-coding transcript variant (1).
Genome position (GRCh38, 1-based): chr6:33,186,800, C>T on the plus strand (G>A on the coding strand, the complement: COL11A2 is on the minus strand). VCF-style: chr6-33186800-C-T. GRCh37 (hg19) VCF-style: chr6-33154577-C-T.
Other names: c.625G>A, p.Ala209Thr (NM_001163771.2, NM_001424108.1, NM_080679.3 and 1 more transcripts); c.-222G>A (NM_001424109.1, NM_001424110.1, NM_001424111.1); short protein forms A209T.
Identifiers: ClinVar variation 2817778 (VCV002817778.3), dbSNP rs1005666910, ClinGen allele CA137053652.
Genomic context (GRCh38, chr6:33,186,800, plus strand): 5'-CGCATTCCAGCTCCTTCTGTTCACATGATTCATAGGCTGCCTGGACCCCTGGGACAATGG[C>T]CAGCTCCTGGACATCACCCTGCAAAGACATGAGAGAGATGGAGCGGAGAGATTCAGAGAG-3'
Protein context (NP_542411.2, residues 199-219): EVFEGDVQEL[Ala209Thr]IVPGVQAAYE

ClinVar aggregate classification (germline): Uncertain significance (1 of 4 stars; one submission).

Allele frequency attached by ClinVar (database versions not stated): gnomAD 0.00001; TOPMed 0.00001.
gnomAD v4.1: 2 of 1,613,970 alleles (0.00012%); highest among the groups gnomAD compares: Non-Finnish European, 0.000085%; no homozygotes.

Submission:

Labcorp Genetics (formerly Invitae), Labcorp
Classification: Uncertain significance. Last evaluated: 2022-12-10. Review status: criteria provided, single submitter. Criteria: Invitae Variant Classification Sherloc (09022015). Collection method: clinical testing. Allele origin: germline.
Comment: In summary, the available evidence is currently insufficient to determine the role of this variant in disease. Therefore, it has been classified as a Variant of Uncertain Significance. Advanced modeling of protein sequence and biophysical properties (such as structural, functional, and spatial information, amino acid conservation, physicochemical variation, residue mobility, and thermodynamic stability) performed at Invitae indicates that this missense variant is not expected to disrupt COL11A2 protein function. This variant has not been reported in the literature in individuals affected with COL11A2-related conditions. This variant is present in population databases (no rsID available, gnomAD 0.0009%). This sequence change replaces alanine, which is neutral and non-polar, with threonine, which is neutral and polar, at codon 209 of the COL11A2 protein (p.Ala209Thr).